The following is an entry in ClinVar:

NM_000517.6(HBA2):c.207del (p.Asn69fs)

Genes: HBA2 (hemoglobin subunit alpha 2; plus strand), LOC106804612 (hemoglobin subunit alpha 2 recombination region; plus strand). Cytogenetic location: 16p13.3.
Variant type: Deletion.
Coding change: c.207del on transcript NM_000517.6 (MANE Select); coding-DNA position 207, one base deleted (C; older notation c.207delC).
Protein change: p.Asn69fs; shifts the reading frame from asparagine 69.
Molecular consequence: frameshift variant.
Genome position (GRCh38, 1-based): chr16:173,236, C deleted. VCF-style (leftmost placement, unchanged base first): chr16-173235-AC-A. GRCh37 (hg19) VCF-style: chr16-223234-AC-A.
Other names: short protein forms N69fs.
Identifiers: ClinVar variation 4818645 (VCV004818645.1).
Genomic context (GRCh38, chr16:173,235, plus strand): 5'-TGAGCCACGGCTCTGCCCAGGTTAAGGGCCACGGCAAGAAGGTGGCCGACGCGCTGACCA[AC>A]GCCGTGGCGCACGTGGACGACATGCCCAACGCGCTGTCCGCCCTGAGCGACCTGCACGCG-3'

ClinVar aggregate classification (germline): Likely pathogenic (1 of 4 stars; one submission).

Conditions:
alpha Thalassemia. Also called: Alpha thalassemia spectrum. Identifiers: Orphanet 846, MedGen C0002312, MONDO:0011399, OMIM 604131.

Submission:

Natera, Inc.
Classification: Likely pathogenic for Alpha thalassemia. Last evaluated: 2024-04-18. Review status: criteria provided, single submitter. Criteria: Natera Variant Classification Schema (03/2026). Collection method: clinical testing. Allele origin: germline.
Comment: The c.207delC variant in HBA2 is a frameshift variant predicted to shift the reading frame beginning at codon 69 and leads to a stop codon 16 codons downstream. This variant is expected to result in nonsense mediated decay, truncation, or a dysfunctional protein product. This variant is rare in the general population with a frequency below the threshold expected for the associated phenotype(s). Given the available evidence, this variant is classified as Likely Pathogenic.